The following is an entry in ClinVar:

ClinVar aggregate classification (germline): Conflicting classifications of pathogenicity. Review status: criteria provided, conflicting classifications (1 of 4 stars). 3 submissions from 3 submitters: Likely pathogenic (1); Uncertain significance (2). Last evaluated 2026-07-12.

Conditions:
Obesity. Also called: Obesity disorder. Identifiers: Orphanet 71529, MedGen C0028754, MeSH D009765, MONDO:0011122, HP:0001513.
Obesity due to pro-opiomelanocortin deficiency. Also called: PROOPIOMELANOCORTIN DEFICIENCY; Obesity, adrenal insufficiency, and red hair due to POMC deficiency; OBESITY, EARLY-ONSET, WITH ADRENAL INSUFFICIENCY AND RED HAIR. Identifiers: Orphanet 71526, MedGen C1857854, MONDO:0012335, OMIM 609734.
POMC-related disorder. Also called: POMC-related condition; POMC-related disorders.

Allele frequency attached by ClinVar (database versions not stated): ExAC 0.00001; gnomAD 0.00004; TOPMed 0.00008.

Submissions (3):

PreventionGenetics, part of Exact Sciences
Classification: Likely pathogenic for POMC-related condition. Last evaluated: 2026-07-12. Review status: criteria provided, single submitter. Criteria: ACMG Guidelines, 2015. Collection method: clinical testing. Allele origin: germline.
Comment: The POMC c.433C>T variant is predicted to result in the amino acid substitution p.Arg145Cys. This variant has been reported in the homozygous and compound heterozygous states in two individuals with glucocorticoid deficiency (Referred to as ACTH p.R8C in Samuels et al. 2013. PubMed ID: 23293326). Of note, these patients presented with hypoglycemia, normal electrolytes, low cortisol, and high ACTH. This variant has also been observed in a cohort of obese individuals, and in vitro functional studies showed strong evidence of loss of function (Supplemental Data Set, Shah et al. 2023. PubMed ID: 36864747). This variant is reported in 0.0059% of alleles in individuals of Latino descent in gnomAD. This variant is interpreted as likely pathogenic.

GeneDx
Classification: Uncertain significance. Last evaluated: 2023-04-19. Review status: criteria provided, single submitter. Criteria: GeneDx Variant Classification Process June 2021. Collection method: clinical testing. Allele origin: germline. Affected: yes.
Comment: Published functional studies suggest a damaging effect as results showed impairment of receptor binding and reduction of cAMP production of the R145C variant as compared to wild type (Samuels et al., 2013); In silico analysis supports that this missense variant has a deleterious effect on protein structure/function; This variant is associated with the following publications: (PMID: 34440144, 23293326)

Fulgent Genetics
Classification: Uncertain significance for Inherited obesity; Obesity due to pro-opiomelanocortin deficiency. Last evaluated: 2022-03-21. Review status: criteria provided, single submitter. Criteria: ACMG Guidelines, 2015. Collection method: clinical testing. Allele origin: unknown.

NM_000939.4(POMC):c.433C>T (p.Arg145Cys)

Gene: POMC (proopiomelanocortin; minus strand). Cytogenetic location: 2p23.3.
Variant type: single nucleotide variant.
Coding change: c.433C>T on transcript NM_000939.4 (MANE Select); coding-DNA position 433, C replaced by T.
Protein change: p.Arg145Cys; replaces arginine 145 with cysteine.
Molecular consequence: missense variant.
Genome position (GRCh38, 1-based): chr2:25,161,452, G>A on the plus strand (C>T on the coding strand, the complement: POMC is on the minus strand). VCF-style: chr2-25161452-G-A. GRCh37 (hg19) VCF-style: chr2-25384321-G-A.
Other names: c.433C>T (NM_000939.3); c.433C>T, p.Arg145Cys (NM_001035256.3, NM_001319204.2, NM_001319205.2); short protein forms R145C.
Identifiers: ClinVar variation 631855 (VCV000631855.9), dbSNP rs756412997, ClinGen allele CA1555298.